The following is an entry in ClinVar:

NM_018127.7(ELAC2):c.1670G>A (p.Ser557Asn)

Gene: ELAC2 (elaC ribonuclease Z 2; minus strand). Cytogenetic location: 17p12.
Variant type: single nucleotide variant.
Coding change: c.1670G>A on transcript NM_018127.7 (MANE Select); coding-DNA position 1670, G replaced by A.
Protein change: p.Ser557Asn; replaces serine 557 with asparagine.
Molecular consequence: missense variant.
Genome position (GRCh38, 1-based): chr17:12,995,968, C>T on the plus strand (G>A on the coding strand, the complement: ELAC2 is on the minus strand). VCF-style: chr17-12995968-C-T. GRCh37 (hg19) VCF-style: chr17-12899285-C-T.
Other names: c.1550G>A, p.Ser517Asn (NM_001165962.2); c.1667G>A, p.Ser556Asn (NM_173717.2); short protein forms S557N, S517N, S556N.
Identifiers: ClinVar variation 1913225 (VCV001913225.5), dbSNP rs904810480, ClinGen allele CA288077418.

ClinVar aggregate classification (germline): Uncertain significance (1 of 4 stars; one submission).

Conditions:
Combined oxidative phosphorylation defect type 17. Also called: Combined oxidative phosphorylation deficiency 17. Identifiers: Orphanet 369913, MedGen C3809526, MONDO:0014190, OMIM 615440.

gnomAD v4.1: 1 of 1,596,132 alleles (0.000063%); highest among the groups gnomAD compares: Non-Finnish European, 0.000085%; no homozygotes.

Submission:

Labcorp Genetics (formerly Invitae), Labcorp
Classification: Uncertain significance for Combined oxidative phosphorylation defect type 17. Last evaluated: 2022-03-11. Review status: criteria provided, single submitter. Criteria: Invitae Variant Classification Sherloc (09022015). Collection method: clinical testing. Allele origin: germline.
Comment: This variant has not been reported in the literature in individuals affected with ELAC2-related conditions. Algorithms developed to predict the effect of missense changes on protein structure and function output the following: SIFT: "Tolerated"; PolyPhen-2: "Benign"; Align-GVGD: "Class C0". The asparagine amino acid residue is found in multiple mammalian species, which suggests that this missense change does not adversely affect protein function. This variant is not present in population databases (gnomAD no frequency). This sequence change replaces serine, which is neutral and polar, with asparagine, which is neutral and polar, at codon 557 of the ELAC2 protein (p.Ser557Asn). In summary, the available evidence is currently insufficient to determine the role of this variant in disease. Therefore, it has been classified as a Variant of Uncertain Significance.